The following is an entry in ClinVar:

NM_001145319.2(PLS1):c.733T>C (p.Ser245Pro)

Gene: PLS1 (plastin 1; plus strand). Cytogenetic location: 3q23.
Variant type: single nucleotide variant.
Coding change: c.733T>C on transcript NM_001145319.2 (MANE Select); coding-DNA position 733, T replaced by C.
Protein change: p.Ser245Pro; replaces serine 245 with proline.
Molecular consequence: missense variant.
Genome position (GRCh38, 1-based): chr3:142,684,159, T>C. VCF-style: chr3-142684159-T-C. GRCh37 (hg19) VCF-style: chr3-142403001-T-C.
Other names: c.733T>C, p.Ser245Pro (NM_001172312.2, NM_002670.3); c.733T>C (NM_001145319.1); short protein forms S245P.
Identifiers: ClinVar variation 2583018 (VCV002583018.26), dbSNP rs78264424, ClinGen allele CA2651105.

ClinVar aggregate classification (germline): Benign. Review status: criteria provided, single submitter (1 of 4 stars). 2 submissions from 2 submitters: Benign (1). 1 of the submissions does not count toward it. Last evaluated 2026-02-01.

Conditions:
PLS1-related disorder. Also called: PLS1-related condition.

Allele frequency attached by ClinVar (database versions not stated): 1000 Genomes Project 30x 0.00031; 1000 Genomes Project 0.00040; TOPMed 0.00103; gnomAD 0.00120; ESP Exome Variant Server 0.00131; ExAC 0.00137; gnomAD exomes 0.00159.
gnomAD v4.1: 2,500 of 1,614,094 alleles (0.15%); highest among the groups gnomAD compares: Non-Finnish European, 0.19%; 4 homozygotes.

Submissions (2):

CeGaT Center for Human Genetics Tuebingen
Classification: Benign. Last evaluated: 2026-02-01. Review status: criteria provided, single submitter. Criteria: CeGaT Center For Human Genetics Tuebingen Variant Classification Criteria Version 2. Collection method: clinical testing. Allele origin: germline. Affected: yes. Observed: 2 variant alleles.
Comment: PLS1: BS1, BS2

PreventionGenetics, part of Exact Sciences
Classification: Likely benign for PLS1-related condition. Last evaluated: 2021-03-22. Review status: no assertion criteria provided. Collection method: clinical testing. Allele origin: germline. Not counted in ClinVar's aggregate classification.
Comment: This variant is classified as likely benign based on ACMG/AMP sequence variant interpretation guidelines (Richards et al. 2015 PMID: 25741868, with internal and published modifications).